The following is an entry in ClinVar:

NM_000512.5(GALNS):c.929A>G (p.Lys310Arg)

Gene: GALNS (galactosamine (N-acetyl)-6-sulfatase; minus strand). Cytogenetic location: 16q24.3.
Variant type: single nucleotide variant.
Coding change: c.929A>G on transcript NM_000512.5 (MANE Select); coding-DNA position 929, A replaced by G.
Protein change: p.Lys310Arg; replaces lysine 310 with arginine.
Molecular consequence: missense variant.
Genome position (GRCh38, 1-based): chr16:88,832,071, T>C on the plus strand (A>G on the coding strand, the complement: GALNS is on the minus strand). VCF-style: chr16-88832071-T-C. GRCh37 (hg19) VCF-style: chr16-88898479-T-C.
Other names: c.374A>G, p.Lys125Arg (NM_001323543.2); c.947A>G, p.Lys316Arg (NM_001323544.2); short protein forms K125R, K310R, K316R.
Identifiers: ClinVar variation 4888241 (VCV004888241.1).

ClinVar aggregate classification (germline): Likely pathogenic (1 of 4 stars; one submission).

Conditions:
Mucopolysaccharidosis, MPS-IV-A (MPS4A). Also called: MPS IVA; Mucopolysaccharidosis type IV A; Morquio syndrome A, mild; MORQUIO SYNDROME A; mucopolysaccharidosis type 4A; Mucopolysaccharidosis Type IVA. Identifiers: Orphanet 309297, Orphanet 582, MedGen C0086651, MONDO:0009659, OMIM 253000.

Submission:

Genelabs Medical  (pvt) Ltd
Classification: Likely pathogenic for Mucopolysaccharidosis, MPS-IV-A. Last evaluated: 2026-08-03. Review status: criteria provided, single submitter. Criteria: ACMG Guidelines, 2015. Collection method: clinical testing. Allele origin: germline. Inheritance: Autosomal recessive inheritance. Affected: yes. Observed: 1 compound heterozygote.
Comment: The missense variant NM_000512.5(GALNS):c.929A>G (p.Lys310Arg) is absent from population databases, supporting its rarity. This nucleotide substitution results in a lysine-to-arginine change at codon 310 and is located in exon 9 of GALNS, a region enriched for pathogenic or likely pathogenic missense variants (8 P/LP vs 0 B/LB in exon 9), supporting regional intolerance to variation. A different pathogenic missense change affecting the adjacent residue (c.930G>C) has been reported, further supporting the functional importance of this region. In silico prediction tools indicate a deleterious effect, with a high REVEL score of 0.907. Based on the cumulative evidence, this variant is classified as Likely Pathogenic. (PM1, PM2_Supporting, PM5_Supporting, PP3_Moderate)